The following is an entry in ClinVar:

ClinVar aggregate classification (germline): Likely pathogenic (1 of 4 stars; one submission).

Conditions:
Marfan Syndrome/Loeys-Dietz Syndrome/Familial Thoracic Aortic Aneurysms and Dissections. Identifiers: MedGen CN229799.

Submission:

Women's Health and Genetics/Laboratory Corporation of America, LabCorp
Classification: Likely pathogenic for Marfan Syndrome/Loeys-Dietz Syndrome/Familial Thoracic Aortic Aneurysms and Dissections. Last evaluated: 2016-06-17. Review status: criteria provided, single submitter. Criteria: LabCorp Variant Classification Summary - May 2015. Collection method: clinical testing. Allele origin: germline.
Comment: Variant summary: The FBN1 c.2096_2097delGT (p.Cys699Serfs) variant results in a premature termination codon, predicted to cause a truncated or absent FBN1 protein due to nonsense mediated decay, which are commonly known mechanisms for disease. Truncations downstream of this position have been classified as pathogenic by our laboratory (e.g. c.2222delA /p.Asn741fs). One in silico tool predicts a damaging outcome for this variant. This variant is absent in 121402 control chromosomes. The variant of interest has not, to our knowledge, been reported in affected individuals via publications and/or reputable databases/clinical diagnostic laboratories; nor evaluated for functional impact by in vivo/vitro studies. Taken together, this variant is classified as likely pathogenic until more information becomes available.

NM_000138.5(FBN1):c.2096_2097del (p.Cys699fs)

Gene: FBN1 (fibrillin 1; minus strand). Cytogenetic location: 15q21.1.
Variant type: Microsatellite.
Coding change: c.2096_2097del on transcript NM_000138.5 (MANE Select); coding-DNA positions 2096 to 2097, 2 bases deleted (GT; older notation c.2096_2097delGT).
Protein change: p.Cys699fs; shifts the reading frame from cysteine 699.
Molecular consequence: frameshift variant.
Genome position (GRCh38, 1-based): chr15:48,503,803-48,503,804, AC deleted on the plus strand (GT on the coding strand, the reverse complement: FBN1 is on the minus strand); deleting any 2 consecutive bases within chr15:48,503,803-48,503,806 gives the same sequence; the c. name uses the placement nearest the transcript's 3' end. VCF-style (leftmost placement, unchanged base first): chr15-48503802-GAC-G. GRCh37 (hg19) VCF-style: chr15-48795999-GAC-G.
Other names: c.2096_2097delGT (NM_000138.4); short protein forms C699fs.
Identifiers: ClinVar variation 495571 (VCV000495571.1), dbSNP rs1555399748, ClinGen allele CA658683901.
Genomic context (GRCh38, chr15:48,503,802, plus strand): 5'-GGCAGAAGGCTGGCAGTACGAGGGCATCTCCATGATACCACATACCTGAATTCTGTGCAG[GAC>G]ACGGCTGGCAAGGTTCCCCAAATGCATACTCAGTGCTGGCGCAACAGCATTCAGATTTAG-3'